The following is an entry in ClinVar:

NM_000038.6(APC):c.5247G>A (p.Gln1749=)

Gene: APC (APC regulator of Wnt signaling pathway; plus strand). Cytogenetic location: 5q22.2.
Variant type: single nucleotide variant.
Coding change: c.5247G>A on transcript NM_000038.6 (MANE Select); coding-DNA position 5247, G replaced by A.
Protein change: p.Gln1749=; no amino-acid change (glutamine 1749 retained).
Molecular consequence: synonymous variant.
Genome position (GRCh38, 1-based): chr5:112,840,841, G>A. VCF-style: chr5-112840841-G-A. GRCh37 (hg19) VCF-style: chr5-112176538-G-A.
Other names: c.5247G>A, p.Gln1749= (NM_001127510.3, NM_001354895.2); c.5193G>A, p.Gln1731= (NM_001127511.3); c.5301G>A, p.Gln1767= (NM_001354896.2); c.5277G>A, p.Gln1759= (NM_001354897.2); c.5172G>A, p.Gln1724= (NM_001354898.2); c.5163G>A, p.Gln1721= (NM_001354899.2); c.5124G>A, p.Gln1708= (NM_001354900.2); c.5070G>A, p.Gln1690= (NM_001354901.2); and 5 more.
Identifiers: ClinVar variation 628135 (VCV000628135.11), dbSNP rs1397709973, ClinGen allele CA446209660.

ClinVar aggregate classification (germline): Benign/Likely benign. Review status: criteria provided, multiple submitters, no conflicts (2 of 4 stars). 3 submissions from 3 submitters: Benign (1); Likely benign (2). Last evaluated 2024-04-01.

Conditions:
Hereditary cancer-predisposing syndrome. Also called: Neoplastic Syndromes, Hereditary; Tumor predisposition; Hereditary neoplastic syndrome; Hereditary Cancer Syndrome. Identifiers: Orphanet 140162, MedGen C0027672, MeSH D009386, MONDO:0015356.
Familial adenomatous polyposis 1 (FAP1). Also called: POLYPOSIS, ADENOMATOUS INTESTINAL; FAMILIAL ADENOMATOUS POLYPOSIS 1, ATTENUATED. Identifiers: MedGen C2713442, MONDO:0021056, OMIM 175100. Disease mechanism: loss of function.

Submissions (3):

Myriad Genetics, Inc.
Classification: Benign for Familial adenomatous polyposis 1. Last evaluated: 2024-04-01. Review status: criteria provided, single submitter. Criteria: Myriad Autosomal Dominant, Autosomal Recessive and X-Linked Classification Criteria (2023). Collection method: clinical testing. Allele origin: unknown.
Comment: This variant is considered benign. This variant is a silent/synonymous amino acid change and it is not expected to impact splicing.

Labcorp Genetics (formerly Invitae), Labcorp
Classification: Likely benign for Familial adenomatous polyposis 1. Last evaluated: 2021-09-07. Review status: criteria provided, single submitter. Criteria: Invitae Variant Classification Sherloc (09022015). Collection method: clinical testing. Allele origin: germline.

Color Diagnostics, LLC DBA Color Health
Classification: Likely benign for Hereditary cancer-predisposing syndrome. Last evaluated: 2018-04-05. Review status: criteria provided, single submitter. Criteria: ACMG Guidelines, 2015. Collection method: clinical testing. Allele origin: germline.